The following is an entry in ClinVar:

ClinVar aggregate classification (germline): Conflicting classifications of pathogenicity. Review status: criteria provided, conflicting classifications (1 of 4 stars). 4 submissions from 4 submitters: Uncertain significance (3); Likely benign (1). Last evaluated 2024-04-01.

Conditions:
Cardiovascular phenotype. Identifiers: MedGen CN230736.

Allele frequency attached by ClinVar (database versions not stated): TOPMed 0.00004; gnomAD 0.00006 and 0.00007; ExAC 0.00028; 1000 Genomes Project 30x 0.00031.
gnomAD v4.1: 78 of 1,549,830 alleles (0.005%); highest among the groups gnomAD compares: Middle Eastern, 0.05%; no homozygotes.

Submissions (4):

CeGaT Center for Human Genetics Tuebingen
Classification: Uncertain significance. Last evaluated: 2024-04-01. Review status: criteria provided, single submitter. Criteria: CeGaT Center For Human Genetics Tuebingen Variant Classification Criteria Version 2. Collection method: clinical testing. Allele origin: germline. Affected: yes. Observed: 1 variant allele.
Comment: ZNF469: PM2

Ambry Genetics
Classification: Likely benign for Cardiovascular phenotype. Last evaluated: 2022-11-08. Review status: criteria provided, single submitter. Criteria: Ambry Variant Classification Scheme 2023. Collection method: clinical testing. Allele origin: germline.

Labcorp Genetics (formerly Invitae), Labcorp
Classification: Uncertain significance. Last evaluated: 2022-10-25. Review status: criteria provided, single submitter. Criteria: Invitae Variant Classification Sherloc (09022015). Collection method: clinical testing. Allele origin: germline.
Comment: This sequence change replaces proline, which is neutral and non-polar, with leucine, which is neutral and non-polar, at codon 594 of the ZNF469 protein (p.Pro594Leu). The frequency data for this variant in the population databases is considered unreliable, as metrics indicate poor data quality at this position in the gnomAD database. This variant has not been reported in the literature in individuals affected with ZNF469-related conditions. ClinVar contains an entry for this variant (Variation ID: 429480). Algorithms developed to predict the effect of missense changes on protein structure and function are either unavailable or do not agree on the potential impact of this missense change (SIFT: "Deleterious"; PolyPhen-2: "Probably Damaging"; Align-GVGD: "Class C0"). In summary, the available evidence is currently insufficient to determine the role of this variant in disease. Therefore, it has been classified as a Variant of Uncertain Significance.

GeneDx
Classification: Uncertain significance. Last evaluated: 2021-04-06. Review status: criteria provided, single submitter. Criteria: GeneDx Variant Classification Process June 2021. Collection method: clinical testing. Allele origin: germline. Affected: yes.
Comment: In silico analysis supports that this missense variant has a deleterious effect on protein structure/function; Has not been previously published as pathogenic or benign to our knowledge

NM_001367624.2(ZNF469):c.1781C>T (p.Pro594Leu)

Gene: ZNF469 (zinc finger protein 469; plus strand). Cytogenetic location: 16q24.2.
Variant type: single nucleotide variant.
Coding change: c.1781C>T on transcript NM_001367624.2 (MANE Select); coding-DNA position 1781, C replaced by T.
Protein change: p.Pro594Leu; replaces proline 594 with leucine.
Molecular consequence: missense variant.
Genome position (GRCh38, 1-based): chr16:88,429,251, C>T. VCF-style: chr16-88429251-C-T. GRCh37 (hg19) VCF-style: chr16-88495659-C-T.
Other names: NM_001127464.1:c.1781C>T; short protein forms P594L.
Identifiers: ClinVar variation 429480 (VCV000429480.28), dbSNP rs757534069, ClinGen allele CA8224706.